The following is an entry in ClinVar:

NM_014806.5(RUSC2):c.3847G>A (p.Asp1283Asn)

Gene: RUSC2 (RUN and SH3 domain containing 2; plus strand). Cytogenetic location: 9p13.3.
Variant type: single nucleotide variant.
Coding change: c.3847G>A on transcript NM_014806.5 (MANE Select); coding-DNA position 3847, G replaced by A.
Protein change: p.Asp1283Asn; replaces aspartic acid 1283 with asparagine.
Molecular consequence: missense variant. On other transcripts: non-coding transcript variant (1).
Genome position (GRCh38, 1-based): chr9:35,560,487, G>A. VCF-style: chr9-35560487-G-A. GRCh37 (hg19) VCF-style: chr9-35560484-G-A.
Other names: c.3847G>A (NM_001135999.1); c.3847G>A, p.Asp1283Asn (NM_001135999.2); c.1213G>A, p.Asp405Asn (NM_001330740.2); short protein forms D1283N, D405N.
Identifiers: ClinVar variation 1512253 (VCV001512253.7), dbSNP rs984165971, ClinGen allele CA192760167.

ClinVar aggregate classification (germline): Uncertain significance. Review status: criteria provided, multiple submitters, no conflicts (2 of 4 stars). 2 submissions from 2 submitters: Uncertain significance (2). Last evaluated 2025-08-29.

Allele frequency attached by ClinVar (database versions not stated): gnomAD exomes below 0.00001 and 0.00001; gnomAD 0.00001; TOPMed 0.00002.

Submissions (2):

Ambry Genetics
Classification: Uncertain significance. Last evaluated: 2025-08-29. Review status: criteria provided, single submitter. Criteria: Ambry Variant Classification Scheme 2023. Collection method: clinical testing. Allele origin: germline.

Labcorp Genetics (formerly Invitae), Labcorp
Classification: Uncertain significance. Last evaluated: 2021-08-13. Review status: criteria provided, single submitter. Criteria: Invitae Variant Classification Sherloc (09022015). Collection method: clinical testing. Allele origin: germline.
Comment: This sequence change replaces aspartic acid with asparagine at codon 1283 of the RUSC2 protein (p.Asp1283Asn). The aspartic acid residue is moderately conserved and there is a small physicochemical difference between aspartic acid and asparagine. This variant is not present in population databases (ExAC no frequency). This variant has not been reported in the literature in individuals affected with RUSC2-related conditions. Algorithms developed to predict the effect of missense changes on protein structure and function are either unavailable or do not agree on the potential impact of this missense change (SIFT: "Deleterious"; PolyPhen-2: "Possibly Damaging"; Align-GVGD: "Class C0"). In summary, the available evidence is currently insufficient to determine the role of this variant in disease. Therefore, it has been classified as a Variant of Uncertain Significance.